The following is an entry in ClinVar:

NM_000020.3(ACVRL1):c.685A>G (p.Lys229Glu)

Gene: ACVRL1 (activin A receptor like type 1; plus strand). Cytogenetic location: 12q13.13.
Variant type: single nucleotide variant.
Coding change: c.685A>G on transcript NM_000020.3 (MANE Select); coding-DNA position 685, A replaced by G.
Protein change: p.Lys229Glu; replaces lysine 229 with glutamic acid.
Molecular consequence: missense variant.
Genome position (GRCh38, 1-based): chr12:51,914,498, A>G. VCF-style: chr12-51914498-A-G. GRCh37 (hg19) VCF-style: chr12-52308282-A-G.
Other names: c.685A>G, p.Lys229Glu (NM_001077401.2); short protein forms K229E.
Identifiers: ClinVar variation 660559 (VCV000660559.10), dbSNP rs1592223468, ClinGen allele CA384900069.
Genomic context (GRCh38, chr12:51,914,498, plus strand): 5'-GGAAAAGGCCGCTATGGCGAAGTGTGGCGGGGCTTGTGGCACGGTGAGAGTGTGGCCGTC[A>G]AGATCTTCTCCTCGAGGGATGAACAGTCCTGGTTCCGGGAGACTGAGATCTATAACACAG-3'
Protein context (NP_000011.2, residues 219-239): GLWHGESVAV[Lys229Glu]IFSSRDEQSW

ClinVar aggregate classification (germline): Pathogenic (1 of 4 stars; one submission).

Conditions:
Telangiectasia, hereditary hemorrhagic, type 2 (HHT2). Also called: Telangiectasia, hereditary hemorrhagic, type II; ACVRL1-Related Hereditary Hemorrhagic Telangiectasia. Identifiers: Orphanet 774, MedGen C1838163, MONDO:0010880, OMIM 600376. Disease mechanism: loss of function.

Submission:

Labcorp Genetics (formerly Invitae), Labcorp
Classification: Pathogenic for Telangiectasia, hereditary hemorrhagic, type 2. Last evaluated: 2023-03-10. Review status: criteria provided, single submitter. Criteria: Invitae Variant Classification Sherloc (09022015). Collection method: clinical testing. Allele origin: germline.
Comment: For these reasons, this variant has been classified as Pathogenic. This variant disrupts the p.Lys229 amino acid residue in ACVRL1. Other variant(s) that disrupt this residue have been observed in individuals with ACVRL1-related conditions (PMID: 16429404, 16690726; Invitae), which suggests that this may be a clinically significant amino acid residue. Advanced modeling of protein sequence and biophysical properties (such as structural, functional, and spatial information, amino acid conservation, physicochemical variation, residue mobility, and thermodynamic stability) performed at Invitae indicates that this missense variant is expected to disrupt ACVRL1 protein function. ClinVar contains an entry for this variant (Variation ID: 660559). This missense change has been observed in individuals with hereditary hemorrhagic telangiectasia (Invitae). This variant is not present in population databases (gnomAD no frequency). This sequence change replaces lysine, which is basic and polar, with glutamic acid, which is acidic and polar, at codon 229 of the ACVRL1 protein (p.Lys229Glu).

Literature cited by the submitters: PubMed 16429404; PubMed 16690726.